The following is an entry in ClinVar:

NM_006565.4(CTCF):c.1881G>A (p.Glu627=)

Gene: CTCF (CCCTC-binding factor; plus strand). Cytogenetic location: 16q22.1.
Variant type: single nucleotide variant.
Coding change: c.1881G>A on transcript NM_006565.4 (MANE Select); coding-DNA position 1881, G replaced by A.
Protein change: p.Glu627=; no amino-acid change (glutamic acid 627 retained).
Molecular consequence: synonymous variant.
Genome position (GRCh38, 1-based): chr16:67,636,733, G>A. VCF-style: chr16-67636733-G-A. GRCh37 (hg19) VCF-style: chr16-67670636-G-A.
Other names: c.897G>A, p.Glu299= (NM_001191022.2); c.1881G>A, p.Glu627= (NM_001363916.2, NM_001438968.1, NM_001438969.1).
Identifiers: ClinVar variation 4281226 (VCV004281226.7).

ClinVar aggregate classification (germline): Likely benign (1 of 4 stars; one submission).

Submission:

CeGaT Center for Human Genetics Tuebingen
Classification: Likely benign. Last evaluated: 2025-09-01. Review status: criteria provided, single submitter. Criteria: CeGaT Center For Human Genetics Tuebingen Variant Classification Criteria Version 2. Collection method: clinical testing. Allele origin: germline. Affected: yes. Observed: 1 variant allele.
Comment: CTCF: PM2:Supporting, BP4, BP7